The following is an entry in ClinVar:

ClinVar aggregate classification (germline): Pathogenic (1 of 4 stars; one submission).

Conditions:
Deficiency of alpha-mannosidase (MANSA). Also called: Mannosidosis, alpha-, types I and II; Alpha-Mannosidosis; LYSOSOMAL ALPHA-D-MANNOSIDASE DEFICIENCY. Identifiers: Orphanet 61, MedGen C0024748, MONDO:0009561, OMIM 248500.

Submission:

Labcorp Genetics (formerly Invitae), Labcorp
Classification: Pathogenic for Deficiency of alpha-mannosidase. Last evaluated: 2023-04-24. Review status: criteria provided, single submitter. Criteria: Invitae Variant Classification Sherloc (09022015). Collection method: clinical testing. Allele origin: germline.
Comment: For these reasons, this variant has been classified as Pathogenic. This variant has not been reported in the literature in individuals affected with MAN2B1-related conditions. This variant is not present in population databases (gnomAD no frequency). This sequence change creates a premature translational stop signal (p.Ala852Glyfs*68) in the MAN2B1 gene. It is expected to result in an absent or disrupted protein product. Loss-of-function variants in MAN2B1 are known to be pathogenic (PMID: 9915946, 22161967).

Literature cited by the submitters: PubMed 9915946; PubMed 22161967.

NM_000528.4(MAN2B1):c.2555_2586del (p.Ala852fs)

Gene: MAN2B1 (mannosidase alpha class 2B member 1; minus strand). Cytogenetic location: 19p13.13.
Variant type: Deletion.
Coding change: c.2555_2586del on transcript NM_000528.4 (MANE Select); coding-DNA positions 2555 to 2586, 32 bases deleted.
Protein change: p.Ala852fs; shifts the reading frame from alanine 852.
Molecular consequence: frameshift variant.
Genome position (GRCh38, 1-based): chr19:12,648,253-12,648,284, 32 bases deleted; deleting any 32 consecutive bases within chr19:12,648,253-12,648,285 gives the same sequence; the c. name uses the placement nearest the transcript's 3' end. GRCh37 (hg19): chr19:12,759,068-12,759,099.
Other names: c.2552_2583del, p.Ala851fs (NM_001173498.2); short protein forms A851fs, A852fs.
Identifiers: ClinVar variation 2858769 (VCV002858769.3), dbSNP rs2512486513, ClinGen allele CA2739276533.